The following is an entry in ClinVar:

ClinVar aggregate classification (germline): Uncertain significance (1 of 4 stars; one submission).

Submission:

GeneDx
Classification: Uncertain significance. Last evaluated: 2019-07-16. Review status: criteria provided, single submitter. Criteria: GeneDx Variant Classification Process June 2021. Collection method: clinical testing. Allele origin: germline. Affected: yes.
Comment: Has not been previously published as pathogenic or benign to our knowledge; Not observed in large population cohorts (Lek et al., 2016); In silico analysis, which includes protein predictors and evolutionary conservation, supports a deleterious effect

NM_002474.3(MYH11):c.5328G>C (p.Glu1776Asp)

Genes: MYH11 (myosin heavy chain 11; minus strand), NDE1 (nudE neurodevelopment protein 1; plus strand). Cytogenetic location: 16p13.11.
Variant type: single nucleotide variant.
Coding change: c.5328G>C on transcript NM_002474.3 (MANE Select); coding-DNA position 5328, G replaced by C.
Protein change: p.Glu1776Asp; replaces glutamic acid 1776 with aspartic acid.
Molecular consequence: missense variant. On other transcripts: intron variant (2).
Genome position (GRCh38, 1-based): chr16:15,717,316, C>G on the plus strand (G>C on the coding strand, the complement: MYH11 is on the minus strand). VCF-style: chr16-15717316-C-G. GRCh37 (hg19) VCF-style: chr16-15811173-C-G.
Other names: c.5349G>C, p.Glu1783Asp (NM_001040113.2, NM_001040114.2); c.5328G>C, p.Glu1776Asp (NM_022844.3); c.948-6875C>G (NM_001143979.2, NM_017668.3); short protein forms E1776D, E1783D.
Identifiers: ClinVar variation 1317462 (VCV001317462.2), dbSNP rs773366562, ClinGen allele CA394849263.
Genomic context (GRCh38, chr16:15,717,316, plus strand): 5'-CTCCTTGTTCTGCCGCTCGAGCTGCTGCCGGGCACTCTCATTCTTCTGGGCCGTGCTGCG[C>G]TCTGTGGCCAGCTCGTTGCTGAGCTGCTCGGCCTGGGGAGGAGAGTGAAGGCCATGAGGC-3'
Protein context (NP_002465.1, residues 1766-1786): AEQLSNELAT[Glu1776Asp]RSTAQKNESA